The following is an entry in ClinVar:

NM_000179.3(MSH6):c.2446C>T (p.Pro816Ser)

Gene: MSH6 (mutS homolog 6; plus strand). Cytogenetic location: 2p16.3.
Variant type: single nucleotide variant.
Coding change: c.2446C>T on transcript NM_000179.3 (MANE Select); coding-DNA position 2446, C replaced by T.
Protein change: p.Pro816Ser; replaces proline 816 with serine.
Molecular consequence: missense variant.
Genome position (GRCh38, 1-based): chr2:47,800,429, C>T. VCF-style: chr2-47800429-C-T. GRCh37 (hg19) VCF-style: chr2-48027568-C-T.
Other names: c.2056C>T, p.Pro686Ser (NM_001281492.2); c.1540C>T, p.Pro514Ser (NM_001281493.2, NM_001281494.2); short protein forms P816S, P514S, P686S.
Identifiers: ClinVar variation 953307 (VCV000953307.10), dbSNP rs1553413803, ClinGen allele CA346754060.

ClinVar aggregate classification (germline): Uncertain significance (1 of 4 stars; one submission).

Conditions:
Hereditary nonpolyposis colorectal neoplasms. Identifiers: MedGen C0009405, MeSH D003123.

Submission:

Labcorp Genetics (formerly Invitae), Labcorp
Classification: Uncertain significance for Hereditary nonpolyposis colorectal neoplasms. Last evaluated: 2019-09-12. Review status: criteria provided, single submitter. Criteria: Invitae Variant Classification Sherloc (09022015). Collection method: clinical testing. Allele origin: germline.
Comment: This sequence change replaces proline with serine at codon 816 of the MSH6 protein (p.Pro816Ser). The proline residue is highly conserved and there is a moderate physicochemical difference between proline and serine. This variant is not present in population databases (ExAC no frequency). This variant has not been reported in the literature in individuals with MSH6-related conditions. Algorithms developed to predict the effect of missense changes on protein structure and function (SIFT, PolyPhen-2, Align-GVGD) all suggest that this variant is likely to be disruptive, but these predictions have not been confirmed by published functional studies and their clinical significance is uncertain. In summary, the available evidence is currently insufficient to determine the role of this variant in disease. Therefore, it has been classified as a Variant of Uncertain Significance.